The following is an entry in ClinVar:

NM_006258.4(PRKG1):c.314C>T (p.Ser105Phe)

Gene: PRKG1 (protein kinase cGMP-dependent 1; plus strand). Cytogenetic location: 10q21.1.
Variant type: single nucleotide variant.
Coding change: c.314C>T on transcript NM_006258.4 (MANE Select); coding-DNA position 314, C replaced by T.
Protein change: p.Ser105Phe; replaces serine 105 with phenylalanine.
Molecular consequence: missense variant.
Genome position (GRCh38, 1-based): chr10:51,153,166, C>T. VCF-style: chr10-51153166-C-T. GRCh37 (hg19) VCF-style: chr10-52912926-C-T.
Other names: c.314C>T (NM_006258.3); c.269C>T, p.Ser90Phe (LRG_1135t2, NM_001098512.3); c.314C>T, p.Ser105Phe (LRG_1135t1); short protein forms S105F, S90F.
Identifiers: ClinVar variation 561327 (VCV000561327.6), dbSNP rs1368918637, ClinGen allele CA376827227.

ClinVar aggregate classification (germline): Uncertain significance. Review status: criteria provided, multiple submitters, no conflicts (2 of 4 stars). 3 submissions from 3 submitters: Uncertain significance (3). Last evaluated 2025-08-03.

Conditions:
Familial thoracic aortic aneurysm and aortic dissection (TAAD). Also called: Thoracic aortic aneurysms and dissections. Identifiers: Orphanet 91387, MedGen C4707243, MONDO:0019625.
Connective tissue disorder. Also called: Connective tissue disease. Identifiers: MedGen C0009782, MONDO:0003900.
Aortic aneurysm, familial thoracic 8 (AAT8). Identifiers: MedGen C3809513, MONDO:0014187, OMIM 615436.

Allele frequency attached by ClinVar (database versions not stated): gnomAD exomes below 0.00001; gnomAD 0.00001.
gnomAD v4.1: 3 of 1,610,508 alleles (0.00019%); highest among the groups gnomAD compares: African/African-American, 0.0013%; no homozygotes.

Submissions (3):

Labcorp Genetics (formerly Invitae), Labcorp
Classification: Uncertain significance for Aortic aneurysm, familial thoracic 8. Last evaluated: 2025-08-03. Review status: criteria provided, single submitter. Criteria: Invitae Variant Classification Sherloc (09022015). Collection method: clinical testing. Allele origin: germline.
Comment: This sequence change replaces serine, which is neutral and polar, with phenylalanine, which is neutral and non-polar, at codon 105 of the PRKG1 protein (p.Ser105Phe). This variant is present in population databases (no rsID available, gnomAD 0.004%). This variant has not been reported in the literature in individuals affected with PRKG1-related conditions. ClinVar contains an entry for this variant (Variation ID: 561327). An algorithm developed to predict the effect of missense changes on protein structure and function (PolyPhen-2) suggests that this variant is likely to be disruptive. In summary, the available evidence is currently insufficient to determine the role of this variant in disease. Therefore, it has been classified as a Variant of Uncertain Significance.

Ambry Genetics
Classification: Uncertain significance for Familial thoracic aortic aneurysm and aortic dissection. Last evaluated: 2022-05-09. Review status: criteria provided, single submitter. Criteria: Ambry Variant Classification Scheme 2023. Collection method: clinical testing. Allele origin: germline.

Center for Human Genetics, Inc
Classification: Uncertain significance for Connective tissue disorder. Last evaluated: 2018-06-01. Review status: criteria provided, single submitter. Criteria: ACMG Guidelines, 2015. Collection method: clinical testing. Allele origin: germline. Affected: yes.